The following is an entry in ClinVar:

NM_000053.4(ATP7B):c.49delA (p.Ile18fs)

Gene: ATP7B (ATPase copper transporting beta; minus strand). Cytogenetic location: 13q14.3.
Variant type: Deletion.
Coding change: c.49delA on transcript NM_000053.4 (MANE Select); coding-DNA position 49, one base deleted (A).
Protein change: p.Ile18fs; shifts the reading frame from isoleucine 18.
Molecular consequence: frameshift variant. On other transcripts: 5 prime UTR variant (3).
Genome position (GRCh38, 1-based): chr13:52,011,287, T deleted on the plus strand (A on the coding strand, the reverse complement: ATP7B is on the minus strand); the first of 3 consecutive T bases (chr13:52,011,287-52,011,289); deleting any one gives the same sequence. VCF-style (leftmost placement, unchanged base first): chr13-52011286-CT-C. GRCh37 (hg19) VCF-style: chr13-52585422-CT-C.
Other names: c.51del (NM_000053.3, NM_000053.4); c.49delA, p.Ile18fs (NM_001005918.3, NM_001243182.2, NM_001330578.2 and 30 more transcripts); c.-139delA (NM_001406518.1); c.-79del (NM_001406539.1, NM_001406543.1); short protein forms I18fs.
Identifiers: ClinVar variation 4757258 (VCV004757258.3).

ClinVar aggregate classification (germline): Pathogenic/Likely pathogenic. Review status: criteria provided, multiple submitters, no conflicts (2 of 4 stars). 3 submissions from 3 submitters: Pathogenic (2); Likely pathogenic (1). Last evaluated 2026-07-13.

Conditions:
Wilson disease (WND). Also called: Wilson's disease. Identifiers: Orphanet 905, MedGen C0019202, MONDO:0010200, OMIM 277900. Disease mechanism: loss of function.

Submissions (3):

Myriad Genetics, Inc.
Classification: Pathogenic for Wilson disease. Last evaluated: 2026-07-13. Review status: criteria provided, single submitter. Criteria: Myriad Autosomal Dominant, Autosomal Recessive and X-Linked Classification Criteria (2023). Collection method: clinical testing. Allele origin: unknown.
Comment: NM_000053.3(ATP7B):c.51delA(I18Sfs*16) is a frameshift variant classified as pathogenic in the context of Wilson disease. I18Sfs*16 has not been observed in cases with relevant disease. Relevant functional assessments of this variant are not available in the literature. I18Sfs*16 has not been observed in referenced population frequency databases. In summary, NM_000053.3(ATP7B):c.51delA(I18Sfs*16) is a frameshift variant in a gene where loss of function is a known mechanism of disease and is predicted to disrupt protein function. Please note: this variant was assessed in the context of healthy population screening.

Color Diagnostics, LLC DBA Color Health
Classification: Pathogenic for Wilson disease. Last evaluated: 2025-07-03. Review status: criteria provided, single submitter. Criteria: ACMG Guidelines, 2015. Collection method: clinical testing. Allele origin: germline.
Comment: This variant deletes 1 nucleotide in exon 1 of the ATP7B gene, creating a frameshift and premature translation stop signal. This variant is expected to result in an absent or non-functional protein product. To our knowledge, this variant has not been reported in individuals affected with ATP7B-related disorders in the literature. This variant has not been identified in the general population by the Genome Aggregation Database (gnomAD). Loss of ATP7B function is a known mechanism of disease. Based on the available evidence, this variant is classified as Pathogenic.

Natera, Inc.
Classification: Likely pathogenic for Wilson disease. Last evaluated: 2024-12-27. Review status: criteria provided, single submitter. Criteria: Natera Variant Classification Schema (03/2026). Collection method: clinical testing. Allele origin: germline.
Comment: The c.51del variant in ATP7B is a frameshift variant predicted to shift the reading frame beginning at codon 18 and leads to a stop codon 16 codons downstream. This variant is expected to result in nonsense mediated decay, truncation, or a dysfunctional protein product. This variant is rare in the general population with a frequency below the threshold expected for the associated phenotype(s). Given the available evidence, this variant is classified as Likely Pathogenic.